The following is an entry in ClinVar:

ClinVar aggregate classification (germline): Uncertain significance. Review status: criteria provided, multiple submitters, no conflicts (2 of 4 stars). 4 submissions from 3 submitters: Uncertain significance (4). Last evaluated 2020-01-27.

Conditions:
RASopathy. Also called: Noonan spectrum disorder; rasopathies. Identifiers: Orphanet 536391, MedGen C5555857, MONDO:0021060.
Fibromatosis, gingival, 1 (GINGF1). Identifiers: Orphanet 2024, MedGen C4551558, MONDO:0007609, OMIM 135300.
Noonan syndrome 4 (NS4). Also called: NOONAN SYNDROME WITH PIGMENTED VILLONODULAR SYNOVITIS; SOS1-Related Noonan Syndrome. Identifiers: Orphanet 648, MedGen C1853120, MONDO:0012547, OMIM 610733.

Submissions (4):

Women's Health and Genetics/Laboratory Corporation of America, LabCorp
Classification: Uncertain significance. Last evaluated: 2020-01-27. Review status: criteria provided, single submitter. Criteria: LabCorp Variant Classification Summary - May 2015. Collection method: clinical testing. Allele origin: germline.
Comment: Variant summary: SOS1 c.1370A>G (p.His457Arg) results in a non-conservative amino acid change located in the Pleckstrin homology domain of the encoded protein sequence. Three of five in-silico tools predict a benign effect of the variant on protein function. The variant was absent in 251106 control chromosomes (gnomAD). The available data on variant occurrences in the general population are insufficient to allow any conclusion about variant significance. To our knowledge, no occurrence of c.1370A>G in individuals affected with Noonan Syndrome and Related Conditions and no experimental evidence demonstrating its impact on protein function have been reported. One clinical diagnostic laboratory has submitted clinical-significance assessments for this variant to ClinVar after 2014 without evidence for independent evaluation and cited the variant as uncertain significance. Based on the evidence outlined above, the variant was classified as uncertain significance.

Labcorp Genetics (formerly Invitae), Labcorp
Classification: Uncertain significance for RASopathy. Last evaluated: 2016-09-27. Review status: criteria provided, single submitter. Criteria: Invitae Variant Classification Sherloc (09022015). Collection method: clinical testing. Allele origin: germline.
Comment: In summary, this variant is a novel missense change with uncertain impact on protein function. It has been classified as a Variant of Uncertain Significance. Algorithms developed to predict the effect of sequence changes on mRNA splicing suggest that this variant may alter mRNA splicing, but this prediction has not been confirmed by published transcriptional studies. Algorithms developed to predict the effect of missense changes on protein structure and function (SIFT, PolyPhen-2, Align-GVGD) all suggest that this variant is likely to be tolerated, but these predictions have not been confirmed by published functional studies. This variant is not present in population databases (ExAC no frequency) and has not been reported in the literature in individuals with a SOS1-related disease. This sequence change replaces histidine with arginine at codon 457 of the SOS1 protein (p.His457Arg). The histidine residue is moderately conserved and there is a small physicochemical difference between histidine and arginine.

Genome-Nilou Lab
Classification: Uncertain significance for Noonan syndrome 4. Review status: criteria provided, single submitter. Criteria: ACMG Guidelines, 2015. Collection method: clinical testing. Allele origin: germline.

Genome-Nilou Lab
Classification: Uncertain significance for Fibromatosis, gingival, 1. Review status: criteria provided, single submitter. Criteria: ACMG Guidelines, 2015. Collection method: clinical testing. Allele origin: germline.

NM_005633.4(SOS1):c.1370A>G (p.His457Arg)

Gene: SOS1 (SOS Ras/Rac guanine nucleotide exchange factor 1; minus strand). Cytogenetic location: 2p22.1.
Variant type: single nucleotide variant.
Coding change: c.1370A>G on transcript NM_005633.4 (MANE Select); coding-DNA position 1370, A replaced by G.
Protein change: p.His457Arg; replaces histidine 457 with arginine.
Molecular consequence: missense variant.
Genome position (GRCh38, 1-based): chr2:39,023,058, T>C on the plus strand (A>G on the coding strand, the complement: SOS1 is on the minus strand). VCF-style: chr2-39023058-T-C. GRCh37 (hg19) VCF-style: chr2-39250199-T-C.
Other names: c.1349A>G, p.His450Arg (NM_001382394.1); c.1370A>G, p.His457Arg (NM_001382395.1); short protein forms H457R, H450R.
Identifiers: ClinVar variation 411866 (VCV000411866.11), dbSNP rs1060503524, ClinGen allele CA16610835.